The following is an entry in ClinVar:

NM_052947.4(ALPK2):c.6101T>C (p.Ile2034Thr)

Gene: ALPK2 (alpha kinase 2; minus strand). Cytogenetic location: 18q21.31.
Variant type: single nucleotide variant.
Coding change: c.6101T>C on transcript NM_052947.4 (MANE Select); coding-DNA position 6101, T replaced by C.
Protein change: p.Ile2034Thr; replaces isoleucine 2034 with threonine.
Molecular consequence: missense variant.
Genome position (GRCh38, 1-based): chr18:58,504,077, A>G on the plus strand (T>C on the coding strand, the complement: ALPK2 is on the minus strand). VCF-style: chr18-58504077-A-G. GRCh37 (hg19) VCF-style: chr18-56171309-A-G.
Other names: short protein forms I2034T.
Identifiers: ClinVar variation 1751635 (VCV001751635.3), dbSNP rs370649501, ClinGen allele CA8976256.

ClinVar aggregate classification (germline): Uncertain significance (1 of 4 stars; one submission).

Allele frequency attached by ClinVar (database versions not stated): gnomAD exomes 0.00001; gnomAD 0.00003; TOPMed 0.00005; ExAC 0.00006.
gnomAD v4.1: 26 of 1,613,998 alleles (0.0016%); highest among the groups gnomAD compares: East Asian, 0.042%; no homozygotes.

Submission:

Ambry Genetics
Classification: Uncertain significance. Last evaluated: 2024-10-28. Review status: criteria provided, single submitter. Criteria: Ambry Variant Classification Scheme 2023. Collection method: clinical testing. Allele origin: germline.
Comment: The p.I2034T variant (also known as c.6101T>C), located in coding exon 10 of the ALPK2 gene, results from a T to C substitution at nucleotide position 6101. The isoleucine at codon 2034 is replaced by threonine, an amino acid with similar properties. This amino acid position is conserved. In addition, this alteration is predicted to be tolerated by in silico analysis. Since supporting evidence is limited at this time, the clinical significance of this alteration remains unclear.